The following is an entry in ClinVar:

NM_001080414.4(CCDC88C):c.1916G>A (p.Arg639Gln)

Gene: CCDC88C (coiled-coil and HOOK domain protein 88C; minus strand). Cytogenetic location: 14q32.11.
Variant type: single nucleotide variant.
Coding change: c.1916G>A on transcript NM_001080414.4 (MANE Select); coding-DNA position 1916, G replaced by A.
Protein change: p.Arg639Gln; replaces arginine 639 with glutamine.
Molecular consequence: missense variant. On other transcripts: non-coding transcript variant (2).
Genome position (GRCh38, 1-based): chr14:91,313,900, C>T on the plus strand (G>A on the coding strand, the complement: CCDC88C is on the minus strand). VCF-style: chr14-91313900-C-T. GRCh37 (hg19) VCF-style: chr14-91780244-C-T.
Other names: short protein forms R639Q.
Identifiers: ClinVar variation 4990803 (VCV004990803.1).

ClinVar aggregate classification (germline): Uncertain significance (1 of 4 stars; one submission).

Conditions:
CCDC88C-related disorder. Also called: CCDC88C-Related Disorders; CCDC88C-related condition.

gnomAD v4.1: 9 of 1,610,556 alleles (0.00056%); highest among the groups gnomAD compares: African/African-American, 0.0013%; no homozygotes.

Submission:

PreventionGenetics, part of Exact Sciences
Classification: Uncertain significance for CCDC88C-related condition. Last evaluated: 2024-11-20. Review status: criteria provided, single submitter. Criteria: ACMG Guidelines, 2015. Collection method: clinical testing. Allele origin: germline.
Comment: The CCDC88C c.1916G>A variant is predicted to result in the amino acid substitution p.Arg639Gln. To our knowledge, this variant has not been reported in the literature. This variant is reported in 0.0031% of alleles in individuals of European (Non-Finnish) descent in gnomAD. At this time, the clinical significance of this variant is uncertain due to the absence of conclusive functional and genetic evidence.